The following is an entry in ClinVar:

ClinVar aggregate classification (germline): Likely pathogenic. Review status: criteria provided, multiple submitters, no conflicts (2 of 4 stars). 3 submissions from 3 submitters: Likely pathogenic (3). Last evaluated 2024-01-29.

Conditions:
NEFL-related disorder. Also called: NEFL-related condition.
Charcot-Marie-Tooth disease, dominant intermediate G. Identifiers: MedGen C4693509, MONDO:0036484, OMIM 617882.

Submissions (3):

3billion
Classification: Likely pathogenic for Charcot-Marie-Tooth disease, dominant intermediate G. Last evaluated: 2024-01-29. Review status: criteria provided, single submitter. Criteria: ACMG Guidelines, 2015. Collection method: clinical testing. Allele origin: germline. Affected: yes.
Comment: The variant is not observed in the gnomAD v2.1.1 dataset. Predicted Consequence/Location: Missense variant In silico tool predictions suggest damaging effect of the variant on gene or gene product [REVEL: NA (>=0.6, sensitivity 0.68 and specificity 0.92); 3Cnet: 0.83 (>=0.6, sensitivity 0.72 and precision 0.9)]. Same nucleotide change resulting in same amino acid change has been previously reported to be associated with NEFL related disorder (ClinVar ID: VCV002579045).Different missense changes at the same codon (p.Asn98Asp, p.Asn98Lys, p.Asn98Ser, p.Asn98Tyr) have been reported as pathogenic/likely pathogenic with strong evidence (ClinVar ID: VCV000041236, VCV000372433, VCV002664371 /PMID: 12477167, 31211173 /3billion dataset). Therefore, this variant is classified as Likely pathogenic according to the recommendation of ACMG/AMP guideline.

CeGaT Center for Human Genetics Tuebingen
Classification: Likely pathogenic. Last evaluated: 2023-07-01. Review status: criteria provided, single submitter. Criteria: CeGaT Center For Human Genetics Tuebingen Variant Classification Criteria Version 2. Collection method: clinical testing. Allele origin: germline. Affected: yes. Observed: 1 variant allele.
Comment: NEFL: PS2, PM2, PM5

Blueprint Genetics
Classification: Likely pathogenic for NEFL-related disorders. Last evaluated: 2021-01-27. Review status: criteria provided, single submitter. Criteria: ACMG Guidelines, 2015. Collection method: clinical testing. Allele origin: germline. Affected: yes. Observed: 2 variant alleles.

Literature cited by the submitters: PubMed 12477167 (cited by 3billion).

NM_006158.5(NEFL):c.292A>C (p.Asn98His)

Gene: NEFL (neurofilament light chain; minus strand). Cytogenetic location: 8p21.2.
Variant type: single nucleotide variant.
Coding change: c.292A>C on transcript NM_006158.5 (MANE Select); coding-DNA position 292, A replaced by C.
Protein change: p.Asn98His; replaces asparagine 98 with histidine.
Molecular consequence: missense variant.
Genome position (GRCh38, 1-based): chr8:24,956,224, T>G on the plus strand (A>C on the coding strand, the complement: NEFL is on the minus strand). VCF-style: chr8-24956224-T-G. GRCh37 (hg19) VCF-style: chr8-24813738-T-G.
Other names: short protein forms N98H.
Identifiers: ClinVar variation 2579045 (VCV002579045.27), dbSNP rs2486887879, ClinGen allele CA370622899.